The following is an entry in ClinVar:

ClinVar aggregate classification (germline): Uncertain significance (1 of 4 stars; one submission).

Conditions:
Tietz syndrome (TADS). Also called: TIETZ ALBINISM-DEAFNESS SYNDROME; ALBINISM-DEAFNESS OF TIETZ; HYPOPIGMENTATION/DEAFNESS OF TIETZ. Identifiers: Orphanet 42665, MedGen C0391816, MONDO:0007077, OMIM 103500.
Waardenburg syndrome type 2A (WS2A). Also called: WAARDENBURG SYNDROME WITHOUT DYSTOPIA CANTHORUM. Identifiers: Orphanet 3440, MedGen C1860339, MONDO:0008671, OMIM 193510.
Melanoma, cutaneous malignant, susceptibility to, 8. Also called: MELANOMA AND RENAL CELL CARCINOMA, SUSCEPTIBILITY TO; Cutaneous malignant melanoma 8. Identifiers: Orphanet 293822, MedGen C3152204, MONDO:0013759, OMIM 614456.

Submission:

Labcorp Genetics (formerly Invitae), Labcorp
Classification: Uncertain significance for Melanoma, cutaneous malignant, susceptibility to, 8; Waardenburg syndrome type 2A; Tietz syndrome. Last evaluated: 2022-02-24. Review status: criteria provided, single submitter. Criteria: Invitae Variant Classification Sherloc (09022015). Collection method: clinical testing. Allele origin: germline.
Comment: This variant has not been reported in the literature in individuals affected with MITF-related conditions. This sequence change replaces leucine, which is neutral and non-polar, with proline, which is neutral and non-polar, at codon 157 of the MITF protein (p.Leu157Pro). This variant is not present in population databases (gnomAD no frequency). Algorithms developed to predict the effect of missense changes on protein structure and function are either unavailable or do not agree on the potential impact of this missense change (SIFT: "Deleterious"; PolyPhen-2: "Benign"; Align-GVGD: "Class C0"). In summary, the available evidence is currently insufficient to determine the role of this variant in disease. Therefore, it has been classified as a Variant of Uncertain Significance.

NM_001354604.2(MITF):c.791T>C (p.Leu264Pro)

Gene: MITF (melanocyte inducing transcription factor; plus strand). Cytogenetic location: 3p13.
Variant type: single nucleotide variant.
Coding change: c.791T>C on transcript NM_001354604.2 (MANE Select); coding-DNA position 791, T replaced by C.
Protein change: p.Leu264Pro; replaces leucine 264 with proline.
Molecular consequence: missense variant.
Genome position (GRCh38, 1-based): chr3:69,949,079, T>C. VCF-style: chr3-69949079-T-C. GRCh37 (hg19) VCF-style: chr3-69998230-T-C.
Other names: c.470T>C, p.Leu157Pro (NM_000248.4, NM_198158.3); c.635T>C, p.Leu212Pro (NM_001184967.2, NM_001354608.2); c.788T>C, p.Leu263Pro (NM_001354605.2, NM_001354606.2, NM_006722.3); c.740T>C, p.Leu247Pro (NM_001354607.2); c.791T>C, p.Leu264Pro (NM_198159.3); c.743T>C, p.Leu248Pro (NM_198177.3); c.302T>C, p.Leu101Pro (NM_198178.3); short protein forms L247P, L263P, L264P, L101P, L157P, L212P, L248P.
Identifiers: ClinVar variation 2103093 (VCV002103093.4), dbSNP rs2471620917, ClinGen allele CA353561301.
Genomic context (GRCh38, chr3:69,949,079, plus strand): 5'-GTTAATTTCTGTTACTGTTTGTCTCTCTCTAGTTGCCTGTCTCGGGAAACTTGATTGATC[T>C]TTATGGAAACCAAGGTCTGCCCCCACCAGGCCTCACCATCAGCAACTCCTGTCCAGCCAA-3'
Protein context (NP_001341533.1, residues 254-274): TLPVSGNLID[Leu264Pro]YGNQGLPPPG